The following is an entry in ClinVar:

NM_001128178.3(NPHP1):c.-10A>C

Gene: NPHP1 (nephrocystin 1; minus strand). Cytogenetic location: 2q13.
Variant type: single nucleotide variant.
Coding change: c.-10A>C on transcript NM_001128178.3 (MANE Select); 10 bases upstream of the start codon, A replaced by C.
Molecular consequence: 5 prime UTR variant.
Genome position (GRCh38, 1-based): chr2:110,204,978, T>G on the plus strand (A>C on the coding strand, the complement: NPHP1 is on the minus strand). VCF-style: chr2-110204978-T-G. GRCh37 (hg19) VCF-style: chr2-110962555-T-G.
Other names: c.-10A>C (NM_000272.5, NM_001128179.3, NM_001374256.1 and 2 more transcripts).
Identifiers: ClinVar variation 4987616 (VCV004987616.1).

ClinVar aggregate classification (germline): Likely benign (1 of 4 stars; one submission).

Conditions:
NPHP1-related disorder. Also called: NPHP1-related condition; NPHP1-related disorders.

gnomAD v4.1: 2 of 1,613,770 alleles (0.00012%); highest among the groups gnomAD compares: Admixed American, 0.0017%; no homozygotes.

Submission:

PreventionGenetics, part of Exact Sciences
Classification: Likely benign for NPHP1-related condition. Last evaluated: 2024-10-13. Review status: criteria provided, single submitter. Criteria: ACMG Guidelines, 2015. Collection method: clinical testing. Allele origin: germline.
Comment: This variant is classified as likely benign based on ACMG/AMP sequence variant interpretation guidelines (Richards et al. 2015 PMID: 25741868, with internal and published modifications).